The following is an entry in ClinVar:

ClinVar aggregate classification (germline): Uncertain significance (1 of 4 stars; one submission).

gnomAD v4.1: 4 of 1,614,204 alleles (0.00025%); highest among the groups gnomAD compares: East Asian, 0.0067%; no homozygotes.

Submission:

Labcorp Genetics (formerly Invitae), Labcorp
Classification: Uncertain significance. Last evaluated: 2023-05-30. Review status: criteria provided, single submitter. Criteria: Invitae Variant Classification Sherloc (09022015). Collection method: clinical testing. Allele origin: germline.
Comment: This variant has not been reported in the literature in individuals affected with CUL7-related conditions. This variant is not present in population databases (gnomAD no frequency). This sequence change replaces glutamic acid, which is acidic and polar, with aspartic acid, which is acidic and polar, at codon 399 of the CUL7 protein (p.Glu399Asp). In summary, the available evidence is currently insufficient to determine the role of this variant in disease. Therefore, it has been classified as a Variant of Uncertain Significance. An algorithm developed to predict the effect of missense changes on protein structure and function (PolyPhen-2) suggests that this variant is likely to be tolerated.

NM_014780.5(CUL7):c.1197G>T (p.Glu399Asp)

Gene: CUL7 (cullin 7; minus strand). Cytogenetic location: 6p21.1.
Variant type: single nucleotide variant.
Coding change: c.1197G>T on transcript NM_014780.5 (MANE Select); coding-DNA position 1197, G replaced by T.
Protein change: p.Glu399Asp; replaces glutamic acid 399 with aspartic acid.
Molecular consequence: missense variant.
Genome position (GRCh38, 1-based): chr6:43,051,004, C>A on the plus strand (G>T on the coding strand, the complement: CUL7 is on the minus strand). VCF-style: chr6-43051004-C-A. GRCh37 (hg19) VCF-style: chr6-43018742-C-A.
Other names: c.1293G>T, p.Glu431Asp (NM_001168370.2, NM_001374872.1); c.1197G>T, p.Glu399Asp (NM_001374873.1, NM_001374874.1); short protein forms E431D, E399D.
Identifiers: ClinVar variation 2824071 (VCV002824071.3), dbSNP rs1764348856, ClinGen allele CA364226625.
Genomic context (GRCh38, chr6:43,051,004, plus strand): 5'-ATCCCACCACCATGTGCCACTCACCTGCACAGGAGGCACACCGTTGTTGCTCTGCCGAAA[C>A]TCGCCCTCATCCCCGGCACTGATCTCCTCATAATCATCCAGCATCCGCACTCGCATCCCC-3'
Protein context (NP_055595.2, residues 389-409): YEEISAGDEG[Glu399Asp]FRQSNNGVPP